The following is an entry in ClinVar:

ClinVar aggregate classification (germline): Uncertain significance (1 of 4 stars; one submission).

Submission:

Labcorp Genetics (formerly Invitae), Labcorp
Classification: Uncertain significance. Last evaluated: 2025-04-11. Review status: criteria provided, single submitter. Criteria: Invitae Variant Classification Sherloc (09022015). Collection method: clinical testing. Allele origin: germline.
Comment: This sequence change replaces valine, which is neutral and non-polar, with leucine, which is neutral and non-polar, at codon 915 of the PRPF6 protein (p.Val915Leu). This variant is not present in population databases (gnomAD no frequency). This variant has not been reported in the literature in individuals affected with PRPF6-related conditions. Invitae Evidence Modeling of protein sequence and biophysical properties (such as structural, functional, and spatial information, amino acid conservation, physicochemical variation, residue mobility, and thermodynamic stability) indicates that this missense variant is not expected to disrupt PRPF6 protein function with a negative predictive value of 80%. In summary, the available evidence is currently insufficient to determine the role of this variant in disease. Therefore, it has been classified as a Variant of Uncertain Significance.

NM_012469.4(PRPF6):c.2743G>C (p.Val915Leu)

Gene: PRPF6 (pre-mRNA processing factor 6; plus strand). Cytogenetic location: 20q13.33.
Variant type: single nucleotide variant.
Coding change: c.2743G>C on transcript NM_012469.4 (MANE Select); coding-DNA position 2743, G replaced by C.
Protein change: p.Val915Leu; replaces valine 915 with leucine.
Molecular consequence: missense variant.
Genome position (GRCh38, 1-based): chr20:64,032,910, G>C. VCF-style: chr20-64032910-G-C. GRCh37 (hg19) VCF-style: chr20-62664263-G-C.
Other names: short protein forms V915L.
Identifiers: ClinVar variation 4743211 (VCV004743211.1).